The following is an entry in ClinVar:

ClinVar aggregate classification (germline): Pathogenic (1 of 4 stars; one submission).

Conditions:
Osteogenesis imperfecta type I (OI1). Also called: Classic Non-deforming Osteogenesis Imperfecta with Blue Sclerae; OI, TYPE I; OSTEOGENESIS IMPERFECTA TARDA; OSTEOGENESIS IMPERFECTA WITH BLUE SCLERAE; Osteogenesis imperfecta type 1; Lobstein's Disease. Identifiers: Orphanet 216796, Orphanet 666, MedGen C0023931, MONDO:0008146, OMIM 166200. Disease mechanism: loss of function.

Submission:

Labcorp Genetics (formerly Invitae), Labcorp
Classification: Pathogenic for Osteogenesis imperfecta type I. Last evaluated: 2021-08-26. Review status: criteria provided, single submitter. Criteria: Invitae Variant Classification Sherloc (09022015). Collection method: clinical testing. Allele origin: germline.
Comment: For these reasons, this variant has been classified as Pathogenic. This variant has not been reported in the literature in individuals affected with COL1A1-related conditions. This variant is not present in population databases (ExAC no frequency). This sequence change creates a premature translational stop signal (p.Met1293Asnfs*5) in the COL1A1 gene. It is expected to result in an absent or disrupted protein product. Loss-of-function variants in COL1A1 are known to be pathogenic (PMID: 7942841, 9295084, 9443882).

Literature cited by the submitters: PubMed 7942841; PubMed 9295084; PubMed 9443882.

NM_000088.4(COL1A1):c.3877dup (p.Met1293fs)

Gene: COL1A1 (collagen type I alpha 1 chain; minus strand). Cytogenetic location: 17q21.33.
Variant type: Duplication.
Coding change: c.3877dup on transcript NM_000088.4 (MANE Select); coding-DNA position 3877, one base duplicated (A; older notation c.3877dupA).
Protein change: p.Met1293fs; shifts the reading frame from methionine 1293.
Molecular consequence: frameshift variant.
Genome position (GRCh38, 1-based): chr17:50,186,445, T duplicated on the plus strand (A on the coding strand, the reverse complement: COL1A1 is on the minus strand). VCF-style (leftmost placement, unchanged base first): chr17-50186444-A-AT. GRCh37 (hg19) VCF-style: chr17-48263805-A-AT.
Other names: short protein forms M1293fs.
Identifiers: ClinVar variation 1419665 (VCV001419665.6), dbSNP rs2144534897, ClinGen allele CA2573154168.
Genomic context (GRCh38, chr17:50,186,444, plus strand): 5'-TACCAGTTCTTCTGGGCCACACTGGGCTGAGTGGGGTACACGCAGGTCTCACCAGTCTCC[A>AT]TGTTGCAGAAGACTTTGATGGCATCCAGGTTGCAGCCTTGGTTGGGGTCAATCCAGTACT-3'